The following is an entry in ClinVar:

NM_005670.4(EPM2A):c.166G>C (p.Glu56Gln)

Genes: EPM2A (EPM2A glucan phosphatase, laforin; minus strand), EPM2A-DT (EPM2A divergent transcript; plus strand), LOC129997381 (ATAC-STARR-seq lymphoblastoid silent region 17642; plus strand). Cytogenetic location: 6q24.3.
Variant type: single nucleotide variant.
Coding change: c.166G>C on transcript NM_005670.4 (MANE Select); coding-DNA position 166, G replaced by C.
Protein change: p.Glu56Gln; replaces glutamic acid 56 with glutamine.
Molecular consequence: missense variant. On other transcripts: 5 prime UTR variant (3), intron variant (1).
Genome position (GRCh38, 1-based): chr6:145,735,333, C>G on the plus strand (G>C on the coding strand, the complement: EPM2A is on the minus strand). VCF-style: chr6-145735333-C-G. GRCh37 (hg19) VCF-style: chr6-146056469-C-G.
Other names: c.166G>C, p.Glu56Gln (NM_001018041.2, NM_001360057.2, NM_001368130.1); c.-504G>C (NM_001360071.2); c.-458G>C (NM_001368129.2); c.-202G>C (NM_001368131.1); c.-114+575G>C (NM_001360064.2); short protein forms E56Q.
Identifiers: ClinVar variation 1507173 (VCV001507173.6), dbSNP rs796052424, ClinGen allele CA366188150.

ClinVar aggregate classification (germline): Uncertain significance (1 of 4 stars; one submission).

Conditions:
Progressive myoclonic epilepsy. Also called: Myoclonus epilepsy; Progressive myoclonus epilepsy; Familial progressive myoclonic epilepsy; Myoclonic Epilepsies, Progressive. Identifiers: Orphanet 308, Orphanet 98261, MedGen C0751778, MONDO:0020074.

gnomAD v4.1: 2 of 1,412,508 alleles (0.00014%); highest among the groups gnomAD compares: Non-Finnish European, 0.00019%; no homozygotes.

Submission:

Labcorp Genetics (formerly Invitae), Labcorp
Classification: Uncertain significance for Progressive myoclonic epilepsy. Last evaluated: 2023-07-07. Review status: criteria provided, single submitter. Criteria: Invitae Variant Classification Sherloc (09022015). Collection method: clinical testing. Allele origin: germline.
Comment: In summary, the available evidence is currently insufficient to determine the role of this variant in disease. Therefore, it has been classified as a Variant of Uncertain Significance. Advanced modeling of protein sequence and biophysical properties (such as structural, functional, and spatial information, amino acid conservation, physicochemical variation, residue mobility, and thermodynamic stability) has been performed at Invitae for this missense variant, however the output from this modeling did not meet the statistical confidence thresholds required to predict the impact of this variant on EPM2A protein function. ClinVar contains an entry for this variant (Variation ID: 1507173). This variant has not been reported in the literature in individuals affected with EPM2A-related conditions. This variant is not present in population databases (gnomAD no frequency). This sequence change replaces glutamic acid, which is acidic and polar, with glutamine, which is neutral and polar, at codon 56 of the EPM2A protein (p.Glu56Gln).